The following is an entry in ClinVar:

NM_001375380.1(EBF3):c.464T>C (p.Leu155Pro)

Gene: EBF3 (EBF transcription factor 3; minus strand). Cytogenetic location: 10q26.3.
Variant type: single nucleotide variant.
Coding change: c.464T>C on transcript NM_001375380.1 (MANE Select); coding-DNA position 464, T replaced by C.
Protein change: p.Leu155Pro; replaces leucine 155 with proline.
Molecular consequence: missense variant.
Genome position (GRCh38, 1-based): chr10:129,958,955, A>G on the plus strand (T>C on the coding strand, the complement: EBF3 is on the minus strand). VCF-style: chr10-129958955-A-G. GRCh37 (hg19) VCF-style: chr10-131757219-A-G.
Other names: c.464T>C, p.Leu155Pro (NM_001005463.3, NM_001375379.1, NM_001375389.1 and 3 more transcripts); short protein forms L155P.
Identifiers: ClinVar variation 2430946 (VCV002430946.1), dbSNP rs2493641970, ClinGen allele CA378910649.

ClinVar aggregate classification (germline): Uncertain significance (1 of 4 stars; one submission).

Submission:

GeneDx
Classification: Uncertain significance. Last evaluated: 2022-08-23. Review status: criteria provided, single submitter. Criteria: GeneDx Variant Classification Process June 2021. Collection method: clinical testing. Allele origin: germline. Affected: yes.
Comment: Not observed at significant frequency in large population cohorts (gnomAD); In silico analysis supports that this missense variant has a deleterious effect on protein structure/function; Has not been previously published as pathogenic or benign to our knowledge